The following is an entry in ClinVar:

NM_133259.4(LRPPRC):c.1215del (p.Pro406fs)

Gene: LRPPRC (leucine rich pentatricopeptide repeat containing; minus strand). Cytogenetic location: 2p21.
Variant type: Deletion.
Coding change: c.1215del on transcript NM_133259.4 (MANE Select); coding-DNA position 1215, one base deleted (T; older notation c.1215delT).
Protein change: p.Pro406fs; shifts the reading frame from proline 406.
Molecular consequence: frameshift variant.
Genome position (GRCh38, 1-based): chr2:43,973,841, A deleted on the plus strand (T on the coding strand, the reverse complement: LRPPRC is on the minus strand); the first of 3 consecutive A bases (chr2:43,973,841-43,973,843); deleting any one gives the same sequence. VCF-style (leftmost placement, unchanged base first): chr2-43973840-GA-G. GRCh37 (hg19) VCF-style: chr2-44200979-GA-G.
Other names: short protein forms P406fs.
Identifiers: ClinVar variation 4816480 (VCV004816480.1).

ClinVar aggregate classification (germline): Likely pathogenic (1 of 4 stars; one submission).

Conditions:
Congenital lactic acidosis, Saguenay-Lac-Saint-Jean type (MC4DN5). Also called: CYTOCHROME c OXIDASE DEFICIENCY, FRENCH CANADIAN TYPE; COX DEFICIENCY, FRENCH CANADIAN TYPE; MITOCHONDRIAL COMPLEX IV DEFICIENCY, NUCLEAR TYPE 5. Identifiers: Orphanet 70472, MedGen C1857355, MONDO:0009069, OMIM 220111.

Submission:

Natera, Inc.
Classification: Likely pathogenic for French-Canadian type Leigh syndrome. Last evaluated: 2025-06-30. Review status: criteria provided, single submitter. Criteria: Natera Variant Classification Schema (03/2026). Collection method: clinical testing. Allele origin: germline.
Comment: The c.1215del variant in LRPPRC is a frameshift variant predicted to shift the reading frame beginning at codon 406 and leads to a stop codon 21 codons downstream. This variant is expected to result in nonsense mediated decay, truncation, or a dysfunctional protein product. This variant is rare in the general population with a frequency below the threshold expected for the associated phenotype(s). Given the available evidence, this variant is classified as Likely Pathogenic.